The following is an entry in ClinVar:

NM_001163809.2(WDR81):c.2331A>G (p.Leu777=)

Gene: WDR81 (WD repeat domain 81; plus strand). Cytogenetic location: 17p13.3.
Variant type: single nucleotide variant.
Coding change: c.2331A>G on transcript NM_001163809.2 (MANE Select); coding-DNA position 2331, A replaced by G.
Protein change: p.Leu777=; no amino-acid change (leucine 777 retained).
Molecular consequence: synonymous variant. On other transcripts: intron variant (3).
Genome position (GRCh38, 1-based): chr17:1,727,290, A>G. VCF-style: chr17-1727290-A-G. GRCh37 (hg19) VCF-style: chr17-1630584-A-G.
Other names: p.Leu777=; c.-123-700A>G (NM_152348.4); c.59-3090A>G (NM_001163673.2); c.-15+2504A>G (NM_001163811.2).
Identifiers: ClinVar variation 130736 (VCV000130736.11), dbSNP rs7221974, ClinGen allele CA155977.

ClinVar aggregate classification (germline): Benign. Review status: criteria provided, multiple submitters, no conflicts (2 of 4 stars). 5 submissions from 5 submitters: Benign (4). 1 of the submissions does not count toward it. Last evaluated 2024-11-28.

Allele frequency attached by ClinVar (database versions not stated): ESP Exome Variant Server 0.26567; TOPMed 0.27052; gnomAD exomes 0.27159; gnomAD 0.27161 and 0.27266; ExAC 0.27743; 1000 Genomes Project 30x 0.29809; 1000 Genomes Project 0.29852.
gnomAD v4.1: 421,343 of 1,549,936 alleles (27%); highest among the groups gnomAD compares: East Asian, 52%; 59,090 homozygotes.

Submissions (5):

Blueprint Genetics
Classification: Benign. Last evaluated: 2024-11-28. Review status: criteria provided, single submitter. Criteria: ACMG Guidelines, 2015. Collection method: clinical testing. Allele origin: germline.

Mayo Clinic Laboratories, Mayo Clinic
Classification: Benign. Last evaluated: 2022-03-24. Review status: criteria provided, single submitter. Criteria: ACMG Guidelines, 2015. Collection method: clinical testing. Allele origin: germline. Observed: 221 variant alleles.

GeneDx
Classification: Benign. Last evaluated: 2020-05-19. Review status: criteria provided, single submitter. Criteria: GeneDx Variant Classification Process June 2021. Collection method: clinical testing. Allele origin: germline. Affected: yes.

Breakthrough Genomics
Classification: Benign. Review status: criteria provided, single submitter. Criteria: ACMG Guidelines, 2015. Collection method: not provided. Allele origin: germline. Inheritance: Autosomal recessive inheritance. Affected: yes.

Genetic Services Laboratory, University of Chicago
Classification: Likely benign for AllHighlyPenetrant. Review status: no assertion criteria provided. Collection method: clinical testing. Allele origin: germline. Inheritance: Autosomal recessive inheritance. Not counted in ClinVar's aggregate classification.
Comment: Likely benign based on allele frequency in 1000 Genomes Project or ESP global frequency and its presence in a patient with a rare or unrelated disease phenotype. NOT Sanger confirmed.